The following is an entry in ClinVar:

NM_000038.6(APC):c.1097A>C (p.Asp366Ala)

Gene: APC (APC regulator of Wnt signaling pathway; plus strand). Cytogenetic location: 5q22.2.
Variant type: single nucleotide variant.
Coding change: c.1097A>C on transcript NM_000038.6 (MANE Select); coding-DNA position 1097, A replaced by C.
Protein change: p.Asp366Ala; replaces aspartic acid 366 with alanine.
Molecular consequence: missense variant. On other transcripts: intron variant (4).
Genome position (GRCh38, 1-based): chr5:112,819,129, A>C. VCF-style: chr5-112819129-A-C. GRCh37 (hg19) VCF-style: chr5-112154826-A-C.
Other names: c.1097A>C, p.Asp366Ala (NM_001127510.3, NM_001354895.2, NM_001354896.2); c.1043A>C, p.Asp348Ala (NM_001127511.3); c.1127A>C, p.Asp376Ala (NM_001354897.2); c.1022A>C, p.Asp341Ala (NM_001354898.2); c.1013A>C, p.Asp338Ala (NM_001354899.2); c.920A>C, p.Asp307Ala (NM_001354900.2, NM_001354901.2); c.248A>C, p.Asp83Ala (NM_001354906.2); c.964-140A>C (NM_001354902.2); and 3 more; short protein forms D348A, D366A, D83A, D307A, D341A, D376A, D338A.
Identifiers: ClinVar variation 469697 (VCV000469697.10), dbSNP rs1554080010, ClinGen allele CA16023715.

ClinVar aggregate classification (germline): Uncertain significance (1 of 4 stars; one submission).

Conditions:
Familial adenomatous polyposis 1 (FAP1). Also called: POLYPOSIS, ADENOMATOUS INTESTINAL; FAMILIAL ADENOMATOUS POLYPOSIS 1, ATTENUATED. Identifiers: MedGen C2713442, MONDO:0021056, OMIM 175100. Disease mechanism: loss of function.

Submission:

Labcorp Genetics (formerly Invitae), Labcorp
Classification: Uncertain significance for Familial adenomatous polyposis 1. Last evaluated: 2017-06-12. Review status: criteria provided, single submitter. Criteria: Invitae Variant Classification Sherloc (09022015). Collection method: clinical testing. Allele origin: germline.
Comment: In summary, this variant has uncertain impact on APC function. The available evidence is currently insufficient to determine its role in disease. Therefore, it has been classified as a Variant of Uncertain Significance. Algorithms developed to predict the effect of missense changes on protein structure and function (SIFT, PolyPhen-2, Align-GVGD) all suggest that this variant is likely to be tolerated, but these predictions have not been confirmed by published functional studies and their clinical significance is uncertain. This variant has not been reported in the literature in individuals with a APC-related disease. This variant is not present in population databases (ExAC no frequency). This sequence change replaces aspartic acid with alanine at codon 366 of the APC protein (p.Asp366Ala). The aspartic acid residue is highly conserved and there is a moderate physicochemical difference between aspartic acid and alanine.